The following is an entry in ClinVar:

ClinVar aggregate classification (germline): Uncertain significance (1 of 4 stars; one submission).

Conditions:
HIVEP2-related disorder. Also called: HIVEP2-related condition.

Allele frequency attached by ClinVar (database versions not stated): gnomAD exomes below 0.00001.
gnomAD v4.1: 1 of 1,614,230 alleles (0.000062%); highest among the groups gnomAD compares: East Asian, 0.0022%; no homozygotes.

Submission:

PreventionGenetics, part of Exact Sciences
Classification: Uncertain significance for HIVEP2-related condition. Last evaluated: 2023-06-13. Review status: criteria provided, single submitter. Criteria: ACMG Guidelines, 2015. Collection method: clinical testing. Allele origin: germline.
Comment: The HIVEP2 c.3916A>C variant is predicted to result in the amino acid substitution p.Thr1306Pro. To our knowledge, this variant has not been reported in the literature or in a large population database, indicating this variant is rare. At this time, the clinical significance of this variant is uncertain due to the absence of conclusive functional and genetic evidence.

NM_006734.4(HIVEP2):c.3916A>C (p.Thr1306Pro)

Gene: HIVEP2 (HIVEP zinc finger 2; minus strand). Cytogenetic location: 6q24.2.
Variant type: single nucleotide variant.
Coding change: c.3916A>C on transcript NM_006734.4 (MANE Select); coding-DNA position 3916, A replaced by C.
Protein change: p.Thr1306Pro; replaces threonine 1306 with proline.
Molecular consequence: missense variant.
Genome position (GRCh38, 1-based): chr6:142,770,823, T>G on the plus strand (A>C on the coding strand, the complement: HIVEP2 is on the minus strand). VCF-style: chr6-142770823-T-G. GRCh37 (hg19) VCF-style: chr6-143091960-T-G.
Other names: short protein forms T1306P.
Identifiers: ClinVar variation 2635915 (VCV002635915.1), dbSNP rs2482827360, ClinGen allele CA365902270.
Genomic context (GRCh38, chr6:142,770,823, plus strand): 5'-AAGACCCAGCATTTGCCGAGGCAAAATCTTCTTGAAGAACCTGCTCAGAGGGCGTTTCAG[T>G]TGACTTACTGCTCTGGTCTGATGGAAACTTTGGAAGAAGGTTCTTTGGGTGTAGCCCTGA-3'
Protein context (NP_006725.3, residues 1296-1316): KFPSDQSSKS[Thr1306Pro]ETPSEQVLQE